The following is an entry in ClinVar:

ClinVar aggregate classification (germline): Uncertain significance (1 of 4 stars; one submission).

Submission:

Labcorp Genetics (formerly Invitae), Labcorp
Classification: Uncertain significance. Last evaluated: 2022-02-24. Review status: criteria provided, single submitter. Criteria: Invitae Variant Classification Sherloc (09022015). Collection method: clinical testing. Allele origin: germline.
Comment: This variant is a gross deletion of the genomic region encompassing exon(s) 7-9 of the CLUAP1 gene. This deletion is out-of-frame, and is expected to create a premature translational stop signal and result in an absent or disrupted protein product. However, the current clinical and genetic evidence is not sufficient to establish whether loss-of-function variants in CLUAP1 cause disease. This variant has not been reported in the literature in individuals affected with CLUAP1-related conditions. In summary, the available evidence is currently insufficient to determine the role of this variant in disease. Therefore, it has been classified as a Variant of Uncertain Significance.

NC_000016.9:g.(?_3569883)_(3576504_?)del

Gene: CLUAP1 (clusterin associated protein 1; plus strand). Cytogenetic location: 16p13.3.
Variant type: Deletion.
Identifiers: ClinVar variation 1440900 (VCV001440900.5).